The following is an entry in ClinVar:

ClinVar aggregate classification (germline): Uncertain significance (1 of 4 stars; one submission).

Submission:

Labcorp Genetics (formerly Invitae), Labcorp
Classification: Uncertain significance. Last evaluated: 2021-12-23. Review status: criteria provided, single submitter. Criteria: Invitae Variant Classification Sherloc (09022015). Collection method: clinical testing. Allele origin: germline.
Comment: This sequence change replaces histidine, which is basic and polar, with glutamine, which is neutral and polar, at codon 182 of the AGBL5 protein (p.His182Gln). This variant is not present in population databases (gnomAD no frequency). This variant has not been reported in the literature in individuals affected with AGBL5-related conditions. Algorithms developed to predict the effect of missense changes on protein structure and function (SIFT, PolyPhen-2, Align-GVGD) all suggest that this variant is likely to be tolerated. In summary, the available evidence is currently insufficient to determine the role of this variant in disease. Therefore, it has been classified as a Variant of Uncertain Significance.

NM_021831.6(AGBL5):c.546T>A (p.His182Gln)

Gene: AGBL5 (AGBL carboxypeptidase 5; plus strand). Cytogenetic location: 2p23.3.
Variant type: single nucleotide variant.
Coding change: c.546T>A on transcript NM_021831.6 (MANE Select); coding-DNA position 546, T replaced by A.
Protein change: p.His182Gln; replaces histidine 182 with glutamine.
Molecular consequence: missense variant. On other transcripts: non-coding transcript variant (2).
Genome position (GRCh38, 1-based): chr2:27,054,054, T>A. VCF-style: chr2-27054054-T-A. GRCh37 (hg19) VCF-style: chr2-27276922-T-A.
Other names: c.546T>A, p.His182Gln (NM_001035506.1, NM_001035507.3); short protein forms H182Q.
Identifiers: ClinVar variation 2055501 (VCV002055501.4), dbSNP rs141068963, ClinGen allele CA346172424.